The following is an entry in ClinVar:

NM_153033.5(KCTD7):c.68C>T (p.Ala23Val)

Genes: KCTD7 (potassium channel tetramerization domain containing 7; plus strand), LOC129998533 (ATAC-STARR-seq lymphoblastoid silent region 18210; plus strand). Cytogenetic location: 7q11.21.
Variant type: single nucleotide variant.
Coding change: c.68C>T on transcript NM_153033.5 (MANE Select); coding-DNA position 68, C replaced by T.
Protein change: p.Ala23Val; replaces alanine 23 with valine.
Molecular consequence: missense variant.
Genome position (GRCh38, 1-based): chr7:66,629,132, C>T. VCF-style: chr7-66629132-C-T. GRCh37 (hg19) VCF-style: chr7-66094119-C-T.
Other names: p.A23V:GCC>GTC; c.68C>T, p.Ala23Val (NM_001167961.2); short protein forms A23V.
Identifiers: ClinVar variation 206013 (VCV000206013.11), dbSNP rs745360140, ClinGen allele CA315689.

ClinVar aggregate classification (germline): Uncertain significance. Review status: criteria provided, multiple submitters, no conflicts (2 of 4 stars). 4 submissions from 4 submitters: Uncertain significance (4). Last evaluated 2025-10-02.

Conditions:
Progressive myoclonic epilepsy type 3. Also called: KCTD7-Related Progressive Myoclonic Epilepsy; EPILEPSY, PROGRESSIVE MYOCLONIC, 3, WITH OR WITHOUT INTRACELLULAR INCLUSIONS; CEROID LIPOFUSCINOSIS, NEURONAL, 14; EPILEPSY, PROGRESSIVE MYOCLONIC, 3, WITHOUT INTRACELLULAR INCLUSIONS. Identifiers: Orphanet 263516, MedGen C2673257, MONDO:0012721, OMIM 611726.

Allele frequency attached by ClinVar (database versions not stated): gnomAD 0.00001; gnomAD exomes 0.00001; ExAC 0.00002.
gnomAD v4.1: 13 of 1,536,658 alleles (0.00085%); highest among the groups gnomAD compares: Non-Finnish European, 0.001%; no homozygotes.

Submissions (4):

GeneDx
Classification: Uncertain significance. Last evaluated: 2025-10-02. Review status: criteria provided, single submitter. Criteria: GeneDx Variant Classification Process June 2021. Collection method: clinical testing. Allele origin: germline. Affected: yes.
Comment: Not observed at significant frequency in large population cohorts (gnomAD); In silico analysis supports that this missense variant has a deleterious effect on protein structure/function; Has not been previously published as pathogenic or benign to our knowledge

Labcorp Genetics (formerly Invitae), Labcorp
Classification: Uncertain significance for Progressive myoclonic epilepsy type 3. Last evaluated: 2024-04-08. Review status: criteria provided, single submitter. Criteria: Invitae Variant Classification Sherloc (09022015). Collection method: clinical testing. Allele origin: germline.
Comment: This sequence change replaces alanine, which is neutral and non-polar, with valine, which is neutral and non-polar, at codon 23 of the KCTD7 protein (p.Ala23Val). The frequency data for this variant in the population databases is considered unreliable, as metrics indicate poor data quality at this position in the gnomAD database. This variant has not been reported in the literature in individuals affected with KCTD7-related conditions. ClinVar contains an entry for this variant (Variation ID: 206013). An algorithm developed to predict the effect of missense changes on protein structure and function (PolyPhen-2) suggests that this variant is likely to be tolerated. In summary, the available evidence is currently insufficient to determine the role of this variant in disease. Therefore, it has been classified as a Variant of Uncertain Significance.

Athena Diagnostics
Classification: Uncertain significance. Last evaluated: 2019-10-23. Review status: criteria provided, single submitter. Criteria: Athena Diagnostics Criteria. Collection method: clinical testing. Allele origin: unknown.

Illumina Laboratory Services, Illumina
Classification: Uncertain significance for Progressive myoclonic epilepsy type 3. Last evaluated: 2018-01-13. Review status: criteria provided, single submitter. Criteria: ICSL Variant Classification Criteria 13 December 2019. Collection method: clinical testing. Allele origin: germline.